The following is an entry in ClinVar:

NM_001042492.3(NF1):c.2022C>G (p.Ser674Arg)

Gene: NF1 (neurofibromin 1; plus strand). Cytogenetic location: 17q11.2.
Variant type: single nucleotide variant.
Coding change: c.2022C>G on transcript NM_001042492.3 (MANE Select); coding-DNA position 2022, C replaced by G.
Protein change: p.Ser674Arg; replaces serine 674 with arginine.
Molecular consequence: missense variant.
Genome position (GRCh38, 1-based): chr17:31,226,455, C>G. VCF-style: chr17-31226455-C-G. GRCh37 (hg19) VCF-style: chr17-29553473-C-G.
Other names: c.2022C>G, p.Ser674Arg (NM_000267.4); short protein forms S674R.
Identifiers: ClinVar variation 1502795 (VCV001502795.6), dbSNP rs2230851, ClinGen allele CA289334950.
Genomic context (GRCh38, chr17:31,226,455, plus strand): 5'-CCCAAGTTGCAAATATATGTCTTCCACCCTTGACTCTCAGGATAGTGCAGCAGGATGCAG[C>G]GGAACCCCCCCGATTTGCCGACAAGCCCAGACCAAACTAGAAGTGGCCCTGTACATGTTT-3'
Protein context (NP_001035957.1, residues 664-684): NSSMDSAAGC[Ser674Arg]GTPPICRQAQ

ClinVar aggregate classification (germline): Uncertain significance (1 of 4 stars; one submission).

Conditions:
Neurofibromatosis, type 1 (NF1). Also called: VON RECKLINGHAUSEN DISEASE; NEUROFIBROMATOSIS, TYPE I, SOMATIC; Peripheral type neurofibromatosis; Neurofibromatosis, type I. Identifiers: Orphanet 636, MedGen C0027831, MONDO:0018975, OMIM 162200. Disease mechanism: loss of function.

Submission:

Labcorp Genetics (formerly Invitae), Labcorp
Classification: Uncertain significance for Neurofibromatosis, type 1. Last evaluated: 2025-02-22. Review status: criteria provided, single submitter. Criteria: Invitae Variant Classification Sherloc (09022015). Collection method: clinical testing. Allele origin: germline.
Comment: This sequence change replaces serine, which is neutral and polar, with arginine, which is basic and polar, at codon 674 of the NF1 protein (p.Ser674Arg). This variant is not present in population databases (gnomAD no frequency). This variant has not been reported in the literature in individuals affected with NF1-related conditions. ClinVar contains an entry for this variant (Variation ID: 1502795). Invitae Evidence Modeling of protein sequence and biophysical properties (such as structural, functional, and spatial information, amino acid conservation, physicochemical variation, residue mobility, and thermodynamic stability) indicates that this missense variant is not expected to disrupt NF1 protein function with a negative predictive value of 95%. In summary, the available evidence is currently insufficient to determine the role of this variant in disease. Therefore, it has been classified as a Variant of Uncertain Significance.